The following is an entry in ClinVar:

ClinVar aggregate classification (germline): Benign (1 of 4 stars; one submission).

Allele frequency attached by ClinVar (database versions not stated): gnomAD exomes 0.00656; gnomAD 0.05886 and 0.06306; 1000 Genomes Project 0.06030; 1000 Genomes Project 30x 0.06652; TOPMed 0.06693.
gnomAD v4.1: 9,029 of 177,598 alleles (5.1%); highest among the groups gnomAD compares: African/African-American, 20%; 872 homozygotes.

Submission:

GeneDx
Classification: Benign. Last evaluated: 2018-06-14. Review status: criteria provided, single submitter. Criteria: GeneDx Variant Classification (06012015). Collection method: clinical testing. Allele origin: germline. Affected: yes.
Comment: This variant is considered likely benign or benign based on one or more of the following criteria: it is a conservative change, it occurs at a poorly conserved position in the protein, it is predicted to be benign by multiple in silico algorithms, and/or has population frequency not consistent with disease.

NM_001165963.4(SCN1A):c.4853-271T>C

Genes: SCN1A (sodium voltage-gated channel alpha subunit 1; minus strand), LOC102724058 (uncharacterized LOC102724058; plus strand). Cytogenetic location: 2q24.3.
Variant type: single nucleotide variant.
Coding change: c.4853-271T>C on transcript NM_001165963.4 (MANE Select); 271 bases into the intron before coding-DNA position 4853, T replaced by C.
Molecular consequence: intron variant.
Genome position (GRCh38, 1-based): chr2:165,992,693, A>G on the plus strand (T>C on the coding strand, the complement: SCN1A is on the minus strand). VCF-style: chr2-165992693-A-G. GRCh37 (hg19) VCF-style: chr2-166849203-A-G.
Other names: c.4820-271T>C (NM_001353949.2, NM_001353950.2, NM_001353951.2 and 2 more transcripts); c.4769-271T>C (NM_001353958.2, NM_001353957.2, NM_001165964.3); c.4853-271T>C (NM_001202435.3, NM_001353948.2); c.4817-271T>C (NM_001353955.2, NM_001353954.2); c.4766-271T>C (NM_001353960.2); c.2411-271T>C (NM_001353961.2).
Identifiers: ClinVar variation 669824 (VCV000669824.1), dbSNP rs16851338, ClinGen allele CA59799057.